The following is an entry in ClinVar:

NM_032383.5(HPS3):c.1151A>T (p.His384Leu)

Gene: HPS3 (HPS3 biogenesis of lysosomal organelles complex 2 subunit 1; plus strand). Cytogenetic location: 3q24.
Variant type: single nucleotide variant.
Coding change: c.1151A>T on transcript NM_032383.5 (MANE Select); coding-DNA position 1151, A replaced by T.
Protein change: p.His384Leu; replaces histidine 384 with leucine.
Molecular consequence: missense variant.
Genome position (GRCh38, 1-based): chr3:149,145,534, A>T. VCF-style: chr3-149145534-A-T. GRCh37 (hg19) VCF-style: chr3-148863321-A-T.
Other names: c.656A>T, p.His219Leu (NM_001308258.2); short protein forms H384L, H219L.
Identifiers: ClinVar variation 1399433 (VCV001399433.8), dbSNP rs2108138342, ClinGen allele CA354916006.
Genomic context (GRCh38, chr3:149,145,534, plus strand): 5'-TGTCAGTCTACCAGTATCCTGAAAAGTCTCAGCAGGCAGTACTCACGCCACAATTTTTGC[A>T]CGTCATTACAAGGTACTGTTAGAGGGTCACTTGCTGGCCTGTGAGTCACTTATTTGTAAA-3'
Protein context (NP_115759.2, residues 374-394): QQAVLTPQFL[His384Leu]VITSNNLQCF

ClinVar aggregate classification (germline): Uncertain significance (1 of 4 stars; one submission).

Submission:

Labcorp Genetics (formerly Invitae), Labcorp
Classification: Uncertain significance. Last evaluated: 2025-01-13. Review status: criteria provided, single submitter. Criteria: Invitae Variant Classification Sherloc (09022015). Collection method: clinical testing. Allele origin: germline.
Comment: This sequence change replaces histidine, which is basic and polar, with leucine, which is neutral and non-polar, at codon 384 of the HPS3 protein (p.His384Leu). This variant is not present in population databases (gnomAD no frequency). This variant has not been reported in the literature in individuals affected with HPS3-related conditions. ClinVar contains an entry for this variant (Variation ID: 1399433). Invitae Evidence Modeling of protein sequence and biophysical properties (such as structural, functional, and spatial information, amino acid conservation, physicochemical variation, residue mobility, and thermodynamic stability) indicates that this missense variant is expected to disrupt HPS3 protein function with a positive predictive value of 80%. In summary, the available evidence is currently insufficient to determine the role of this variant in disease. Therefore, it has been classified as a Variant of Uncertain Significance.